The following is an entry in ClinVar:

NM_152618.3(BBS12):c.-61G>C

Gene: BBS12 (Bardet-Biedl syndrome 12; plus strand). Cytogenetic location: 4q27.
Variant type: single nucleotide variant.
Coding change: c.-61G>C on transcript NM_152618.3 (MANE Select); 61 bases upstream of the start codon, G replaced by C.
Molecular consequence: 5 prime UTR variant.
Genome position (GRCh38, 1-based): chr4:122,732,834, G>C. VCF-style: chr4-122732834-G-C. GRCh37 (hg19) VCF-style: chr4-123653989-G-C.
Other names: c.-249G>C (NM_001178007.2).
Identifiers: ClinVar variation 347496 (VCV000347496.5), dbSNP rs59440868, ClinGen allele CA10617892.

ClinVar aggregate classification (germline): Likely benign (1 of 4 stars; one submission).

Conditions:
Bardet-Biedl syndrome 12 (BBS12). Identifiers: Orphanet 110, MedGen C1859570, MONDO:0014440, OMIM 615989.

Allele frequency attached by ClinVar (database versions not stated): gnomAD 0.00255 and 0.00282; 1000 Genomes Project 0.00280; TOPMed 0.00301; 1000 Genomes Project 30x 0.00344.

Submission:

Illumina Laboratory Services, Illumina
Classification: Likely benign for Bardet-Biedl syndrome 12. Last evaluated: 2018-01-13. Review status: criteria provided, single submitter. Criteria: ICSL Variant Classification Criteria 13 December 2019. Collection method: clinical testing. Allele origin: germline.
Comment: This variant was observed in the ICSL laboratory as part of a predisposition screen in an ostensibly healthy population. It had not been previously curated by ICSL or reported in the Human Gene Mutation Database (HGMD: prior to June 1st, 2018), and was therefore a candidate for classification through an automated scoring system. Utilizing variant allele frequency, disease prevalence and penetrance estimates, and inheritance mode, an automated score was calculated to assess if this variant is too frequent to cause the disease. Based on the score and internal cut-off values, a variant classified as likely benign is not then subjected to further curation. The score for this variant resulted in a classification of likely benign for this disease.